The following is an entry in ClinVar:

ClinVar aggregate classification (germline): Uncertain significance (1 of 4 stars; one submission).

Allele frequency attached by ClinVar (database versions not stated): ExAC 0.00001; gnomAD 0.00001; gnomAD exomes 0.00001; TOPMed 0.00001; ESP Exome Variant Server 0.00008.

Submission:

Labcorp Genetics (formerly Invitae), Labcorp
Classification: Uncertain significance. Last evaluated: 2022-06-04. Review status: criteria provided, single submitter. Criteria: Invitae Variant Classification Sherloc (09022015). Collection method: clinical testing. Allele origin: germline.
Comment: This sequence change replaces glycine, which is neutral and non-polar, with serine, which is neutral and polar, at codon 197 of the CFAP410 protein (p.Gly197Ser). The frequency data for this variant in the population databases is considered unreliable, as metrics indicate poor data quality at this position in the gnomAD database. This variant has not been reported in the literature in individuals affected with CFAP410-related conditions. Algorithms developed to predict the effect of missense changes on protein structure and function (SIFT, PolyPhen-2, Align-GVGD) all suggest that this variant is likely to be tolerated. In summary, the available evidence is currently insufficient to determine the role of this variant in disease. Therefore, it has been classified as a Variant of Uncertain Significance.

NM_004928.3(CFAP410):c.589G>A (p.Gly197Ser)

Gene: CFAP410 (cilia and flagella associated protein 410; minus strand). Cytogenetic location: 21q22.3.
Variant type: single nucleotide variant.
Coding change: c.589G>A on transcript NM_004928.3 (MANE Select); coding-DNA position 589, G replaced by A.
Protein change: p.Gly197Ser; replaces glycine 197 with serine.
Molecular consequence: missense variant.
Genome position (GRCh38, 1-based): chr21:44,330,876, C>T on the plus strand (G>A on the coding strand, the complement: CFAP410 is on the minus strand). VCF-style: chr21-44330876-C-T. GRCh37 (hg19) VCF-style: chr21-45750759-C-T.
Other names: c.586G>A, p.Gly196Ser (NM_001271440.2, NM_001271441.2); c.463G>A, p.Gly155Ser (NM_001271442.1); short protein forms G196S, G197S, G155S.
Identifiers: ClinVar variation 1940999 (VCV001940999.5), dbSNP rs141744017, ClinGen allele CA10053592.
Genomic context (GRCh38, chr21:44,330,876, plus strand): 5'-CACTCACCCTGCCCCTGTGGCTGCTCGAGGCATCCCTGGCTGAGAGGGAAGGAAACTGGC[C>T]CCGGGAAGGCGGCTTCAGGCCACGTTCATCCTGGGCGCCGCTGCTGAGAGGGAGACAAAG-3'
Protein context (NP_004919.1, residues 187-207): DERGLKPPSR[Gly197Ser]QFPSLSARDA